The following is an entry in ClinVar:

NM_004960.3(FUS):c.*770G>C

Gene: FUS (FUS DNA/RNA binding protein; plus strand). Cytogenetic location: 16p11.2.
Variant type: single nucleotide variant.
Coding change: c.*770G>C on transcript NM_004960.3; 770 bases downstream of the stop codon, G replaced by C.
Molecular consequence: 3 prime UTR variant (on NM_001170634.1). On other transcripts: non-coding transcript variant (1).
Genome position (GRCh38, 1-based): chr16:31,192,208, G>C. VCF-style: chr16-31192208-G-C. GRCh37 (hg19) VCF-style: chr16-31203529-G-C.
Other names: c.*770G>C (NM_001170634.1, NM_001170937.1).
Identifiers: ClinVar variation 319004 (VCV000319004.7), dbSNP rs4889537, ClinGen allele CA8024206.

ClinVar aggregate classification (germline): Benign (1 of 4 stars; one submission).

Conditions:
Amyotrophic lateral sclerosis type 6. Also called: FUS-Related Amyotrophic Laterial Sclerosis; AMYOTROPHIC LATERAL SCLEROSIS 6 WITHOUT FRONTOTEMPORAL DEMENTIA; Amyotrophic lateral sclerosis 6, with or without frontotemporal dementia. Identifiers: Orphanet 275872, Orphanet 803, MedGen C2931786, MONDO:0011951, OMIM 608030.

Allele frequency attached by ClinVar (database versions not stated): TOPMed 0.23636; 1000 Genomes Project 30x 0.27967; gnomAD exomes 0.33623 and 0.33224; gnomAD 0.24493 and 0.25571; 1000 Genomes Project 0.28175; ExAC 0.42268.

Submission:

Illumina Laboratory Services, Illumina
Classification: Benign for Amyotrophic lateral sclerosis type 6. Last evaluated: 2018-01-13. Review status: criteria provided, single submitter. Criteria: ICSL Variant Classification Criteria 13 December 2019. Collection method: clinical testing. Allele origin: germline.
Comment: This variant was observed in the ICSL laboratory as part of a predisposition screen in an ostensibly healthy population. It had not been previously curated by ICSL or reported in the Human Gene Mutation Database (HGMD: prior to June 1st, 2018), and was therefore a candidate for classification through an automated scoring system. Utilizing variant allele frequency, disease prevalence and penetrance estimates, and inheritance mode, an automated score was calculated to assess if this variant is too frequent to cause the disease. Based on the score and internal cut-off values, a variant classified as benign is not then subjected to further curation. The score for this variant resulted in a classification of benign for this disease.